The following is an entry in ClinVar:

NM_001904.4(CTNNB1):c.1603C>T (p.Arg535Ter)

Genes: CTNNB1 (catenin beta 1; plus strand), LOC126806659 (BRD4-independent group 4 enhancer GRCh37_chr3:41274918-41276117; plus strand). Cytogenetic location: 3p22.1.
Variant type: single nucleotide variant.
Coding change: c.1603C>T on transcript NM_001904.4 (MANE Select); coding-DNA position 1603, C replaced by T.
Protein change: p.Arg535Ter; replaces arginine 535 with a stop codon.
Molecular consequence: nonsense.
Genome position (GRCh38, 1-based): chr3:41,234,217, C>T. VCF-style: chr3-41234217-C-T. GRCh37 (hg19) VCF-style: chr3-41275708-C-T.
Other names: c.1603C>T, p.Arg535Ter (NM_001098209.2, NM_001098210.2); c.1582C>T, p.Arg528Ter (NM_001330729.2); short protein forms R535*, R528*.
Identifiers: ClinVar variation 265085 (VCV000265085.43), dbSNP rs886039332, ClinGen allele CA10588362.

ClinVar aggregate classification (germline): Pathogenic. Review status: criteria provided, multiple submitters, no conflicts (2 of 4 stars). 13 submissions from 13 submitters: Pathogenic (10). 3 of the submissions do not count toward it. Last evaluated 2026-04-30.

Conditions:
CTNNB1-related neurodevelopmental disorder and/or vitreoretinopathy. Identifiers: MedGen CN377755, MONDO:0100571.
Abnormal lung growth, pulmonary hypertension, microcephaly, and spasticity.
Exudative vitreoretinopathy 7. Identifiers: MedGen C4539767, MONDO:0033123, OMIM 617572.
Severe intellectual disability-progressive spastic diplegia syndrome (NEDSDV). Also called: NEURODEVELOPMENTAL DISORDER WITH SPASTIC DIPLEGIA AND VISUAL DEFECTS; CTNNB1 Neurodevelopmental Disorder. Identifiers: Orphanet 404473, MedGen C3554449, MONDO:0014035, OMIM 615075.
Intellectual disability. Also called: Intellectual functioning disability; intellectual disabilities; Intellectual developmental disorder. Identifiers: MedGen C3714756, MeSH D008607, MONDO:0001071, HP:0001249.

Submissions (13):

Victorian Clinical Genetics Services, Murdoch Childrens Research Institute
Classification: Pathogenic for CTNNB1-related neurodevelopmental disorder and/or vitreoretinopathy. Last evaluated: 2026-04-30. Review status: criteria provided, single submitter. Criteria: ACMG Guidelines, 2015. Collection method: clinical testing. Allele origin: germline. Affected: yes.
Comment: This variant is classified as Pathogenic. Evidence in support of pathogenic classification: Variant is predicted to cause nonsense-mediated decay (NMD) and loss of protein (premature termination codon is located at least 54 nucleotides upstream of the final exon-exon junction); Variant is absent from gnomAD (v2, v3 and v4); This variant has strong previous evidence of pathogenicity in unrelated individuals. This variant has been classified as pathogenic by clinical laboratories in ClinVar, and reported in the literature in two de novo individuals with intellectual disability (PMID: 27915094); Other NMD predicted variants comparable to the one identified in this case have very strong previous evidence for pathogenicity (DECIPHER); Additional information: This variant is heterozygous; This gene is associated with autosomal dominant disease; Loss of function is a known mechanism of disease in this gene and is associated with CTNNB1-related neurodevelopmental disorder and/or vitreoretinopathy (MONDO:0100571). However, somatic variants with a gain of function mechanism have been reported to cause cancer (OMIM).

GeneDx
Classification: Pathogenic. Last evaluated: 2025-02-14. Review status: criteria provided, single submitter. Criteria: GeneDx Variant Classification Process June 2021. Collection method: clinical testing. Allele origin: germline. Affected: yes.
Comment: Nonsense variant predicted to result in protein truncation or nonsense mediated decay in a gene for which loss of function is a known mechanism of disease; Not observed at significant frequency in large population cohorts (gnomAD); This variant is associated with the following publications: (PMID: 36419413, 36943625, 33057194, 35982159, 25533962, 27915094, 31309540, 28135719, 30952489, 28191890, 26350204, 33425807, 31031587, 32334381, 31785789, 37009120, 36293418, 36083290)

Institute of Human Genetics Munich, TUM University Hospital
Classification: Pathogenic for Severe intellectual disability-progressive spastic diplegia syndrome. Last evaluated: 2024-12-02. Review status: criteria provided, single submitter. Criteria: Classification criteria August 2017. Collection method: clinical testing. Allele origin: de novo. Inheritance: Autosomal dominant inheritance. Affected: yes. Observed: 1 variant allele.

Women's Health and Genetics/Laboratory Corporation of America, LabCorp
Classification: Pathogenic for Severe intellectual disability-progressive spastic diplegia syndrome. Last evaluated: 2024-08-09. Review status: criteria provided, single submitter. Criteria: LabCorp Variant Classification Summary - May 2015. Collection method: clinical testing. Allele origin: germline.
Comment: Variant summary: CTNNB1 c.1603C>T (p.Arg535X) results in a premature termination codon, predicted to cause a truncation of the encoded protein or absence of the protein due to nonsense mediated decay, which are commonly known mechanisms for disease. The variant was absent in 251432 control chromosomes. c.1603C>T has been reported in the literature in individuals affected with Intellectual Disability (example: Kayumi_2022). The following publication has been ascertained in the context of this evaluation (PMID: 36083290). ClinVar contains an entry for this variant (Variation ID: 265085). Based on the evidence outlined above, the variant was classified as pathogenic.

CeGaT Center for Human Genetics Tuebingen
Classification: Pathogenic. Last evaluated: 2024-05-01. Review status: criteria provided, single submitter. Criteria: CeGaT Center For Human Genetics Tuebingen Variant Classification Criteria Version 2. Collection method: clinical testing. Allele origin: germline. Affected: yes. Observed: 1 variant allele.
Comment: CTNNB1: PS2:Very Strong, PVS1, PM2, PS4:Moderate

Labcorp Genetics (formerly Invitae), Labcorp
Classification: Pathogenic. Last evaluated: 2023-10-03. Review status: criteria provided, single submitter. Criteria: Invitae Variant Classification Sherloc (09022015). Collection method: clinical testing. Allele origin: germline.
Comment: This sequence change creates a premature translational stop signal (p.Arg535*) in the CTNNB1 gene. It is expected to result in an absent or disrupted protein product. Loss-of-function variants in CTNNB1 are known to be pathogenic (PMID: 23033978, 24614104, 25326669, 26350204, 28575650). This variant is not present in population databases (gnomAD no frequency). This premature translational stop signal has been observed in individual(s) with CTNNB1-related conditions (PMID: 26350204, 27915094). ClinVar contains an entry for this variant (Variation ID: 265085). For these reasons, this variant has been classified as Pathogenic.

Laboratory of Human Genetics, Universidade de São Paulo
Classification: Pathogenic for Severe intellectual disability-progressive spastic diplegia syndrome. Last evaluated: 2022-03-16. Review status: criteria provided, single submitter. Criteria: ACMG Guidelines, 2015. Collection method: research. Allele origin: de novo. Affected: yes. Observed: 1 heterozygote.
Comment: This variant meets our criteria to be classified as pathogenic based upon segregation studies, absence from controls, and in-silico evaluation of pathogenicity.

Diagnostic Laboratory, Strasbourg University Hospital
Classification: Pathogenic for Intellectual disability. Last evaluated: 2020-09-10. Review status: criteria provided, single submitter. Criteria: ACMG Guidelines, 2015. Collection method: clinical testing. Allele origin: de novo. Affected: yes. Observed: 1 heterozygote.

Department of Genetics, Rouen University Hospital, Normandy Center for Genomic and Personalized Medicine
Classification: Pathogenic for Severe intellectual disability-progressive spastic diplegia syndrome. Last evaluated: 2018-12-05. Review status: criteria provided, single submitter. Criteria: ACMG Guidelines, 2015. Collection method: clinical testing. Allele origin: de novo. Affected: yes.

Baylor Genetics
Classification: Pathogenic for Exudative vitreoretinopathy 7. Last evaluated: 2018-05-18. Review status: criteria provided, single submitter. Criteria: ACMG Guidelines, 2015. Collection method: clinical testing. Allele origin: unknown. Affected: yes.
Comment: This variant was determined to be pathogenic according to ACMG Guidelines, 2015 [PMID:25741868]. This variant has been previously reported as de novo in at least two patients with syndromic developmental disorder [PMID 26350204, 27915094]

Molecular Genetics Laboratory, BC Children's and BC Women's Hospitals
Classification: Pathogenic for Severe intellectual disability-progressive spastic diplegia syndrome. Last evaluated: 2025-01-09. Review status: no assertion criteria provided. Criteria: ACMG Guidelines, 2015. Collection method: clinical testing. Allele origin: de novo. Affected: yes. Not counted in ClinVar's aggregate classification.

Stankiewicz Research Laboratory, Baylor College of Medicine
Classification: Likely pathogenic for Abnormal lung growth, pulmonary hypertension, microcephaly, and spasticity. Last evaluated: 2019-10-01. Review status: no assertion criteria provided. Collection method: research. Allele origin: de novo. Affected: yes. Observed: 1 variant allele. Not counted in ClinVar's aggregate classification.

OMIM
Classification: Pathogenic for NEURODEVELOPMENTAL DISORDER WITH SPASTIC DIPLEGIA AND VISUAL DEFECTS. Last evaluated: 2019-03-18. Review status: no assertion criteria provided. Collection method: literature only. Allele origin: germline. Not counted in ClinVar's aggregate classification.

Literature cited by the submitters: PubMed 27915094 (cited by 4 submitters); PubMed 36083290 (cited by Women's Health and Genetics/Laboratory Corporation of America, LabCorp); PubMed 23033978 (cited by Labcorp Genetics (formerly Invitae), Labcorp); PubMed 24614104 (cited by Labcorp Genetics (formerly Invitae), Labcorp); PubMed 25326669 (cited by Labcorp Genetics (formerly Invitae), Labcorp); PubMed 26350204 (cited by Labcorp Genetics (formerly Invitae), Labcorp and Baylor Genetics); PubMed 28575650 (cited by Labcorp Genetics (formerly Invitae), Labcorp).